The following is an entry in ClinVar:

NM_004304.5(ALK):c.3743+1G>C

Gene: ALK (ALK receptor tyrosine kinase; minus strand). Cytogenetic location: 2p23.2.
Variant type: single nucleotide variant.
Coding change: c.3743+1G>C on transcript NM_004304.5 (MANE Select); the canonical splice donor site of the intron after coding-DNA position 3743, G replaced by C.
Molecular consequence: splice donor variant.
Genome position (GRCh38, 1-based): chr2:29,213,983, C>G on the plus strand (G>C on the coding strand, the complement: ALK is on the minus strand). VCF-style: chr2-29213983-C-G. GRCh37 (hg19) VCF-style: chr2-29436849-C-G.
Other names: c.539+1G>C (NM_001353765.2); c.3743+1G>C (NM_004304.4).
Identifiers: ClinVar variation 1484143 (VCV001484143.9), dbSNP rs1333697872, ClinGen allele CA346471043.

ClinVar aggregate classification (germline): Conflicting classifications of pathogenicity. Review status: criteria provided, conflicting classifications (1 of 4 stars). 2 submissions from 2 submitters: Uncertain significance (1); Likely benign (1). Last evaluated 2025-01-11.

Conditions:
Neuroblastoma, susceptibility to, 3. Also called: ALK-Related Neuroblastic Tumor Susceptibility. Identifiers: Orphanet 635, MedGen C2751681, MONDO:0013083, OMIM 613014.
Hereditary cancer-predisposing syndrome. Also called: Neoplastic Syndromes, Hereditary; Tumor predisposition; Hereditary neoplastic syndrome; Hereditary Cancer Syndrome. Identifiers: Orphanet 140162, MedGen C0027672, MeSH D009386, MONDO:0015356.

Allele frequency attached by ClinVar (database versions not stated): gnomAD exomes below 0.00001; TOPMed below 0.00001; gnomAD 0.00001.
gnomAD v4.1: 2 of 1,613,106 alleles (0.00012%); highest among the groups gnomAD compares: Non-Finnish European, 0.00017%; no homozygotes.

Submissions (2):

Ambry Genetics
Classification: Likely benign for Hereditary cancer-predisposing syndrome. Last evaluated: 2025-01-11. Review status: criteria provided, single submitter. Criteria: Ambry Variant Classification Scheme 2023. Collection method: clinical testing. Allele origin: germline.

Labcorp Genetics (formerly Invitae), Labcorp
Classification: Uncertain significance for Neuroblastoma, susceptibility to, 3. Last evaluated: 2020-11-13. Review status: criteria provided, single submitter. Criteria: Invitae Variant Classification Sherloc (09022015). Collection method: clinical testing. Allele origin: germline.
Comment: This sequence change affects a donor splice site in intron 24 of the ALK gene. It is expected to disrupt RNA splicing. Variants that disrupt the donor or acceptor splice site typically lead to a loss of protein function (PMID: 16199547), however the current clinical and genetic evidence is not sufficient to establish whether loss-of-function variants in ALK cause disease. This variant is not present in population databases (ExAC no frequency). This variant has not been reported in the literature in individuals with ALK-related conditions. Algorithms developed to predict the effect of sequence changes on RNA splicing suggest that this variant may disrupt the consensus splice site, but this prediction has not been confirmed by published transcriptional studies. In summary, the available evidence is currently insufficient to determine the role of this variant in disease. Therefore, it has been classified as a Variant of Uncertain Significance.

Literature cited by the submitters: PubMed 16199547 (cited by Labcorp Genetics (formerly Invitae), Labcorp).